The following is an entry in ClinVar:

NM_000188.3(HK1):c.691G>A (p.Gly231Ser)

Gene: HK1 (hexokinase 1; plus strand). Cytogenetic location: 10q22.1.
Variant type: single nucleotide variant.
Coding change: c.691G>A on transcript NM_000188.3 (MANE Select); coding-DNA position 691, G replaced by A.
Protein change: p.Gly231Ser; replaces glycine 231 with serine.
Molecular consequence: missense variant.
Genome position (GRCh38, 1-based): chr10:69,369,336, G>A. VCF-style: chr10-69369336-G-A. GRCh37 (hg19) VCF-style: chr10-71129092-G-A.
Other names: c.703G>A, p.Gly235Ser (NM_001322364.2, NM_001358263.1, NM_033497.3 and 1 more transcripts); c.796G>A, p.Gly266Ser (NM_001322365.2); c.607G>A, p.Gly203Ser (NM_001322366.1); c.595G>A, p.Gly199Ser (NM_001322367.1); c.688G>A, p.Gly230Ser (NM_033496.3); c.655G>A, p.Gly219Ser (NM_033500.2); short protein forms G199S, G203S, G219S, G230S, G231S, G235S, G266S.
Identifiers: ClinVar variation 1018929 (VCV001018929.10), dbSNP rs1849878522, ClinGen allele CA376914065.

ClinVar aggregate classification (germline): Uncertain significance (1 of 4 stars; one submission).

Submission:

Labcorp Genetics (formerly Invitae), Labcorp
Classification: Uncertain significance. Last evaluated: 2024-06-10. Review status: criteria provided, single submitter. Criteria: Invitae Variant Classification Sherloc (09022015). Collection method: clinical testing. Allele origin: germline.
Comment: This sequence change replaces glycine, which is neutral and non-polar, with serine, which is neutral and polar, at codon 231 of the HK1 protein (p.Gly231Ser). This variant also falls at the last nucleotide of exon 6, which is part of the consensus splice site for this exon. This variant is not present in population databases (gnomAD no frequency). This missense change has been observed in individual(s) with clinical features of HK1-related conditions (Invitae). ClinVar contains an entry for this variant (Variation ID: 1018929). An algorithm developed to predict the effect of missense changes on protein structure and function (PolyPhen-2) suggests that this variant is likely to be disruptive. Variants that disrupt the consensus splice site are a relatively common cause of aberrant splicing (PMID: 17576681, 9536098). Algorithms developed to predict the effect of sequence changes on RNA splicing suggest that this variant may disrupt the consensus splice site. In summary, the available evidence is currently insufficient to determine the role of this variant in disease. Therefore, it has been classified as a Variant of Uncertain Significance.

Literature cited by the submitters: PubMed 17576681; PubMed 9536098.